The following is an entry in ClinVar:

NM_000059.4(BRCA2):c.8633-1008G>A

Gene: BRCA2 (BRCA2 DNA repair associated; plus strand). Cytogenetic location: 13q13.1.
Variant type: single nucleotide variant.
Coding change: c.8633-1008G>A on transcript NM_000059.4 (MANE Select); 1008 bases into the intron before coding-DNA position 8633, G replaced by A.
Molecular consequence: intron variant.
Genome position (GRCh38, 1-based): chr13:32,375,662, G>A. VCF-style: chr13-32375662-G-A. GRCh37 (hg19) VCF-style: chr13-32949799-G-A.
Identifiers: ClinVar variation 264967 (VCV000264967.1), dbSNP rs536781751, ClinGen allele CA10588148.

ClinVar aggregate classification (germline): Benign (3 of 4 stars; one submission).

Conditions:
Breast-ovarian cancer, familial, susceptibility to, 2 (BROVCA2). Also called: BRCA2 Hereditary Breast and Ovarian Cancer. Identifiers: Orphanet 145, MedGen C2675520, MONDO:0012933, OMIM 612555. Disease mechanism: loss of function.

Allele frequency attached by ClinVar (database versions not stated): TOPMed 0.00157; gnomAD 0.00158 and 0.00206; 1000 Genomes Project 0.00339; 1000 Genomes Project 30x 0.00375.
gnomAD v4.1: 312 of 151,404 alleles (0.21%); highest among the groups gnomAD compares: South Asian, 1.6%; 1 homozygote.

Submission:

Evidence-based Network for the Interpretation of Germline Mutant Alleles (ENIGMA)
Classification: Benign for Breast-ovarian cancer, familial, susceptibility to, 2. Last evaluated: 2016-09-28. Review status: reviewed by expert panel. Criteria: ENIGMA BRCA1/2 Classification Criteria (2015). Collection method: curation. Allele origin: germline.
Comment: Class 1 not pathogenic based on frequency >1% in an outbred sampleset. Frequency 0.0164 (South Asian), derived from 1000 genomes (2013-05-02).